The following is an entry in ClinVar:

NM_024675.4(PALB2):c.3431T>C (p.Leu1144Pro)

Gene: PALB2 (partner and localizer of BRCA2; minus strand). Cytogenetic location: 16p12.2.
Variant type: single nucleotide variant.
Coding change: c.3431T>C on transcript NM_024675.4 (MANE Select); coding-DNA position 3431, T replaced by C.
Protein change: p.Leu1144Pro; replaces leucine 1144 with proline.
Molecular consequence: missense variant.
Genome position (GRCh38, 1-based): chr16:23,603,589, A>G on the plus strand (T>C on the coding strand, the complement: PALB2 is on the minus strand). VCF-style: chr16-23603589-A-G. GRCh37 (hg19) VCF-style: chr16-23614910-A-G.
Other names: short protein forms L1144P.
Identifiers: ClinVar variation 628361 (VCV000628361.5), dbSNP rs1567205096, ClinGen allele CA395138170.

ClinVar aggregate classification (germline): Uncertain significance (1 of 4 stars; one submission).

Conditions:
Hereditary cancer-predisposing syndrome. Also called: Neoplastic Syndromes, Hereditary; Tumor predisposition; Hereditary neoplastic syndrome; Hereditary Cancer Syndrome. Identifiers: Orphanet 140162, MedGen C0027672, MeSH D009386, MONDO:0015356.

Allele frequency attached by ClinVar (database versions not stated): gnomAD exomes below 0.00001.

Submission:

Color Diagnostics, LLC DBA Color Health
Classification: Uncertain significance for Hereditary cancer-predisposing syndrome. Last evaluated: 2023-12-05. Review status: criteria provided, single submitter. Criteria: ACMG Guidelines, 2015. Collection method: clinical testing. Allele origin: germline.
Comment: This missense variant replaces leucine with proline at codon 1144 of the PALB2 protein. Computational prediction suggests that this variant may not impact protein structure and function (internally defined REVEL score threshold <= 0.5, PMID: 27666373). To our knowledge, functional studies have not been reported for this variant. This variant has not been reported in individuals affected with PALB2-related disorders in the literature. This variant has not been identified in the general population by the Genome Aggregation Database (gnomAD). The available evidence is insufficient to determine the role of this variant in disease conclusively. Therefore, this variant is classified as a Variant of Uncertain Significance.